The following is an entry in ClinVar:

ClinVar aggregate classification (germline): Uncertain significance. Review status: criteria provided, multiple submitters, no conflicts (2 of 4 stars). 3 submissions from 3 submitters: Uncertain significance (3). Last evaluated 2025-04-22.

Conditions:
Hereditary cancer-predisposing syndrome. Also called: Tumor predisposition; Hereditary neoplastic syndrome; Neoplastic Syndromes, Hereditary; Hereditary Cancer Syndrome. Identifiers: Orphanet 140162, MedGen C0027672, MeSH D009386, MONDO:0015356.
Rhabdoid tumor predisposition syndrome 2 (RTPS2). Identifiers: Orphanet 231108, Orphanet 69077, MedGen C2750074, MONDO:0013224, OMIM 613325.

Submissions (3):

GeneDx
Classification: Uncertain significance. Last evaluated: 2025-04-22. Review status: criteria provided, single submitter. Criteria: GeneDx Variant Classification Process June 2021. Collection method: clinical testing. Allele origin: germline. Affected: yes.
Comment: Not observed at significant frequency in large population cohorts (gnomAD); In-frame deletion of five amino acids in a non-repeat region; In silico analysis supports a deleterious effect on protein structure/function; Has not been previously published as pathogenic or benign to our knowledge

Ambry Genetics
Classification: Uncertain significance for Hereditary cancer-predisposing syndrome. Last evaluated: 2024-04-30. Review status: criteria provided, single submitter. Criteria: Ambry Variant Classification Scheme 2023. Collection method: clinical testing. Allele origin: germline.
Comment: The c.4835_4849del15 variant (also known as p.E1612_E1616del) is located in coding exon 33 of the SMARCA4 gene. This variant results from an in-frame deletion of 15 nucleotides at nucleotide positions 4835 to 4849. This results in the in-frame deletion of five amino acids (EGEEE) at codons 1612 to 1616. These amino acid positions are well conserved in available vertebrate species. In addition, this alteration is predicted to be deleterious by in silico analysis (Choi Y et al. PLoS ONE. 2012; 7(10):e46688). Based on the available evidence, the clinical significance of this variant remains unclear.

Labcorp Genetics (formerly Invitae), Labcorp
Classification: Uncertain significance for Rhabdoid tumor predisposition syndrome 2. Last evaluated: 2021-11-09. Review status: criteria provided, single submitter. Criteria: Invitae Variant Classification Sherloc (09022015). Collection method: clinical testing. Allele origin: germline.
Comment: In summary, the available evidence is currently insufficient to determine the role of this variant in disease. Therefore, it has been classified as a Variant of Uncertain Significance. Experimental studies and prediction algorithms are not available or were not evaluated, and the functional significance of this variant is currently unknown. This variant has not been reported in the literature in individuals affected with SMARCA4-related conditions. This variant is not present in population databases (gnomAD no frequency). This variant, c.4835_4849del, results in the deletion of 5 amino acid(s) of the SMARCA4 protein (p.Glu1612_Glu1616del), but otherwise preserves the integrity of the reading frame.

NM_003072.5(SMARCA4):c.4739_4753del (p.Glu1580_Glu1584del)

Gene: SMARCA4 (SWI/SNF related BAF chromatin remodeling complex subunit ATPase 4; plus strand). Cytogenetic location: 19p13.2.
Variant type: Deletion.
Coding change: c.4739_4753del on transcript NM_003072.5 (MANE Select); coding-DNA positions 4739 to 4753, 15 bases deleted (AGGGCGAGGAGGAAG).
Protein change: p.Glu1580_Glu1584del.
Molecular consequence: inframe deletion. On other transcripts: non-coding transcript variant (1).
Genome position (GRCh38, 1-based): chr19:11,059,856-11,059,870, AGGGCGAGGAGGAAG deleted; deleting any 15 consecutive bases within chr19:11,059,846-11,059,870 gives the same sequence; the c. name uses the placement nearest the transcript's 3' end. VCF-style (leftmost placement, unchanged base first): chr19-11059845-GGAGGAGGAAGAGGGC-G. GRCh37 (hg19) VCF-style: chr19-11170521-GGAGGAGGAAGAGGGC-G.
Other names: c.4835_4849del (NM_001128849.1); c.4739_4753del, p.Glu1580_Glu1584del (NM_001128844.3); c.4649_4663del, p.Glu1550_Glu1554del (NM_001128845.2); c.4646_4660del, p.Glu1549_Glu1553del (NM_001128846.2); c.4640_4654del, p.Glu1547_Glu1551del (NM_001128847.4, NM_001374457.1); c.4637_4651del, p.Glu1546_Glu1550del (NM_001128848.2); c.4835_4849del, p.Glu1612_Glu1616del (NM_001128849.3, NM_001387283.1); c.4835_4849del15 (NM_001128849.1).
Identifiers: ClinVar variation 1357635 (VCV001357635.10), dbSNP rs2147115638, ClinGen allele CA2573155647.